The following is an entry in ClinVar:

ClinVar aggregate classification (germline): Uncertain significance (1 of 4 stars; one submission).

Conditions:
Dyskeratosis congenita, autosomal recessive 5 (DKCB5). Identifiers: MedGen C3554656, MONDO:0014076, OMIM 615190.
Pulmonary fibrosis and/or bone marrow failure, Telomere-related, 3. Also called: PULMONARY FIBROSIS AND/OR BONE MARROW FAILURE SYNDROME, TELOMERE-RELATED, 3. Identifiers: Orphanet 2032, MedGen C4225346, MONDO:0014613, OMIM 616373.

Allele frequency attached by ClinVar (database versions not stated): ExAC 0.00001.

Submission:

Labcorp Genetics (formerly Invitae), Labcorp
Classification: Uncertain significance for Dyskeratosis congenita, autosomal recessive 5; Pulmonary fibrosis and/or bone marrow failure, Telomere-related, 3. Last evaluated: 2022-11-14. Review status: criteria provided, single submitter. Criteria: Invitae Variant Classification Sherloc (09022015). Collection method: clinical testing. Allele origin: germline.
Comment: This variant is present in population databases (rs770467632, gnomAD 0.0009%). This variant has not been reported in the literature in individuals affected with RTEL1-related conditions. Algorithms developed to predict the effect of sequence changes on RNA splicing suggest that this variant may disrupt the consensus splice site. In summary, the available evidence is currently insufficient to determine the role of this variant in disease. Therefore, it has been classified as a Variant of Uncertain Significance. This sequence change falls in intron 30 of the RTEL1 gene. It does not directly change the encoded amino acid sequence of the RTEL1 protein.

NM_001283009.2(RTEL1):c.2992+16G>A

Genes: RTEL1 (regulator of telomere elongation helicase 1; plus strand), RTEL1-TNFRSF6B (RTEL1-TNFRSF6B readthrough (NMD candidate); plus strand). Cytogenetic location: 20q13.33.
Variant type: single nucleotide variant.
Coding change: c.2992+16G>A on transcript NM_001283009.2 (MANE Select); 16 bases into the intron after coding-DNA position 2992, G replaced by A.
Molecular consequence: intron variant.
Genome position (GRCh38, 1-based): chr20:63,693,299, G>A. VCF-style: chr20-63693299-G-A. GRCh37 (hg19) VCF-style: chr20-62324652-G-A.
Other names: c.2323+16G>A (NM_001283010.1); c.3064+16G>A (NM_032957.5); c.2992+16G>A (NM_016434.4).
Identifiers: ClinVar variation 2935543 (VCV002935543.3), dbSNP rs770467632, ClinGen allele CA9965710.